The following is an entry in ClinVar:

ClinVar aggregate classification (germline): Uncertain significance. Review status: criteria provided, multiple submitters, no conflicts (2 of 4 stars). 2 submissions from 2 submitters: Uncertain significance (2). Last evaluated 2021-10-26.

Conditions:
Inborn genetic diseases. Identifiers: MedGen C0950123, MeSH D030342.
Charcot-Marie-Tooth disease axonal type 2L. Also called: Charcot-Marie-Tooth Neuropathy Type 2L; CHARCOT-MARIE-TOOTH DISEASE, AXONAL, AUTOSOMAL DOMINANT, TYPE 2L; CHARCOT-MARIE-TOOTH NEUROPATHY, AXONAL, TYPE 2L. Identifiers: Orphanet 99945, MedGen C1837552, MONDO:0012096, OMIM 608673.

Allele frequency attached by ClinVar (database versions not stated): ExAC 0.00001; gnomAD 0.00001; gnomAD exomes 0.00001; TOPMed 0.00002.
gnomAD v4.1: 12 of 1,614,028 alleles (0.00074%); highest among the groups gnomAD compares: Admixed American, 0.0033%; no homozygotes.

Submissions (2):

Ambry Genetics
Classification: Uncertain significance for Inborn genetic diseases. Last evaluated: 2021-10-26. Review status: criteria provided, single submitter. Criteria: Ambry Variant Classification Scheme 2023. Collection method: clinical testing. Allele origin: germline.

Labcorp Genetics (formerly Invitae), Labcorp
Classification: Uncertain significance for Charcot-Marie-Tooth disease axonal type 2L. Last evaluated: 2016-03-14. Review status: criteria provided, single submitter. Criteria: Invitae Variant Classification Sherloc (09022015). Collection method: clinical testing. Allele origin: germline.
Comment: In summary, this variant is a rare missense change that has been observed in the general population as well as in patients. Experimental studies have shown that this variant disrupts protein function. However, further functional and genetic evidence is needed to conclusively establish its clinical relevance. For these reasons, this change has been classified as a Variant of Uncertain Significance. Experimental studies have shown that this missense change affects the function of HSPB8 protein (PMID: 25965061). This variant has been reported in patients affected with distal hereditary motor neuropathy or Charcot-Marie-Tooth disease type 2 (PMID: 18832141, 22176143). This variant is present in population databases (rs771827550, ExAC <0.01%). This sequence change replaces proline with leucine at codon 39 of the HSPB8 protein (p.Pro39Leu). The proline residue is highly conserved and there is a moderate physicochemical difference between proline and leucine.

Literature cited by the submitters: PubMed 25965061 (cited by Labcorp Genetics (formerly Invitae), Labcorp); PubMed 18832141 (cited by Labcorp Genetics (formerly Invitae), Labcorp); PubMed 22176143 (cited by Labcorp Genetics (formerly Invitae), Labcorp).

NM_014365.3(HSPB8):c.116C>T (p.Pro39Leu)

Gene: HSPB8 (heat shock protein family B (small) member 8; plus strand). Cytogenetic location: 12q24.23.
Variant type: single nucleotide variant.
Coding change: c.116C>T on transcript NM_014365.3 (MANE Select); coding-DNA position 116, C replaced by T.
Protein change: p.Pro39Leu; replaces proline 39 with leucine.
Molecular consequence: missense variant.
Genome position (GRCh38, 1-based): chr12:119,179,428, C>T. VCF-style: chr12-119179428-C-T. GRCh37 (hg19) VCF-style: chr12-119617233-C-T.
Other names: short protein forms P39L.
Identifiers: ClinVar variation 240906 (VCV000240906.9), dbSNP rs771827550, ClinGen allele CA6819500.